The following is an entry in ClinVar:

ClinVar aggregate classification (germline): Uncertain significance. Review status: criteria provided, multiple submitters, no conflicts (2 of 4 stars). 9 submissions from 9 submitters: Uncertain significance (8). 1 of the submissions does not count toward it. Last evaluated 2026-01-27.

Conditions:
APC-related disorder. Also called: APC-related condition.
Hereditary cancer-predisposing syndrome. Also called: Tumor predisposition; Hereditary Cancer Syndrome; Hereditary neoplastic syndrome; Neoplastic Syndromes, Hereditary. Identifiers: Orphanet 140162, MedGen C0027672, MeSH D009386, MONDO:0015356.
Classic or attenuated familial adenomatous polyposis. Identifiers: MedGen CN372698, MONDO:0021057.
Familial adenomatous polyposis 1 (FAP1). Also called: FAMILIAL ADENOMATOUS POLYPOSIS 1, ATTENUATED; POLYPOSIS, ADENOMATOUS INTESTINAL. Identifiers: MedGen C2713442, MONDO:0021056, OMIM 175100. Disease mechanism: loss of function.

Allele frequency attached by ClinVar (database versions not stated): ExAC 0.00001; gnomAD 0.00001; gnomAD exomes 0.00001; TOPMed 0.00002.
gnomAD v4.1: 9 of 1,613,112 alleles (0.00056%); highest among the groups gnomAD compares: East Asian, 0.0022%; no homozygotes.

Submissions (9):

Labcorp Genetics (formerly Invitae), Labcorp
Classification: Uncertain significance for Familial adenomatous polyposis 1. Last evaluated: 2026-01-27. Review status: criteria provided, single submitter. Criteria: Invitae Variant Classification Sherloc (09022015). Collection method: clinical testing. Allele origin: germline.
Comment: This sequence change replaces isoleucine, which is neutral and non-polar, with valine, which is neutral and non-polar, at codon 1254 of the APC protein (p.Ile1254Val). This variant is present in population databases (rs769504783, gnomAD 0.005%). This variant has not been reported in the literature in individuals affected with APC-related conditions. ClinVar contains an entry for this variant (Variation ID: 418012). Invitae Evidence Modeling of protein sequence and biophysical properties (such as structural, functional, and spatial information, amino acid conservation, physicochemical variation, residue mobility, and thermodynamic stability) indicates that this missense variant is not expected to disrupt APC protein function with a negative predictive value of 95%. In summary, the available evidence is currently insufficient to determine the role of this variant in disease. Therefore, it has been classified as a Variant of Uncertain Significance.

Ambry Genetics
Classification: Uncertain significance for Hereditary cancer-predisposing syndrome. Last evaluated: 2025-09-01. Review status: criteria provided, single submitter. Criteria: Ambry Variant Classification Scheme 2023. Collection method: clinical testing. Allele origin: germline.

Blueprint Genetics
Classification: Uncertain significance. Last evaluated: 2024-04-22. Review status: criteria provided, single submitter. Criteria: ACMG Guidelines, 2015. Collection method: clinical testing. Allele origin: germline.

Color Diagnostics, LLC DBA Color Health
Classification: Uncertain significance for Hereditary cancer-predisposing syndrome. Last evaluated: 2024-03-06. Review status: criteria provided, single submitter. Criteria: ACMG Guidelines, 2015. Collection method: clinical testing. Allele origin: germline.
Comment: This missense variant replaces isoleucine with valine at codon 1254 of the APC protein. Computational prediction suggests that this variant may not impact protein structure and function (internally defined REVEL score threshold <= 0.5, PMID: 27666373). To our knowledge, functional studies have not been reported for this variant. This variant has not been reported in individuals affected with APC-related disorders in the literature. This variant has been identified in 3/281230 chromosomes in the general population by the Genome Aggregation Database (gnomAD). The available evidence is insufficient to determine the role of this variant in disease conclusively. Therefore, this variant is classified as a Variant of Uncertain Significance.

GeneDx
Classification: Uncertain significance. Last evaluated: 2023-10-04. Review status: criteria provided, single submitter. Criteria: GeneDx Variant Classification Process June 2021. Collection method: clinical testing. Allele origin: germline. Affected: yes.
Comment: Not observed at significant frequency in large population cohorts (gnomAD); In silico analysis supports that this missense variant does not alter protein structure/function; Has not been previously published as pathogenic or benign to our knowledge

All of Us Research Program, National Institutes of Health
Classification: Uncertain significance for Classic or attenuated familial adenomatous polyposis. Last evaluated: 2023-08-15. Review status: criteria provided, single submitter. Criteria: ACMG Guidelines, 2015. Collection method: clinical testing. Allele origin: germline. Inheritance: Autosomal dominant inheritance. Observed: 6 variant alleles, 6 heterozygotes.
Comment: This missense variant replaces isoleucine with valine at codon 1254 of the APC protein. Computational prediction suggests that this variant may not impact protein structure and function (internally defined REVEL score threshold <= 0.5, PMID: 27666373). To our knowledge, functional studies have not been reported for this variant. This variant has not been reported in individuals affected with APC-related disorders in the literature. This variant has been identified in 3/281230 chromosomes in the general population by the Genome Aggregation Database (gnomAD). The available evidence is insufficient to determine the role of this variant in disease conclusively. Therefore, this variant is classified as a Variant of Uncertain Significance.

This study involves interpretation of variants in research participants for the purpose of population health screening. Participant phenotype was not available at the time of variant classification. Additional details can be found in publication PMID: 35346344, PMCID: PMC8962531

Baylor Genetics
Classification: Uncertain significance for Familial adenomatous polyposis 1. Last evaluated: 2023-07-25. Review status: criteria provided, single submitter. Criteria: ACMG Guidelines, 2015. Collection method: clinical testing. Allele origin: unknown.

Eurofins Ntd Llc (ga)
Classification: Uncertain significance. Last evaluated: 2018-03-12. Review status: criteria provided, single submitter. Criteria: EGL ClinVar v180209 classification definitions. Collection method: clinical testing. Allele origin: germline. Observed: 1 variant allele, 1 heterozygote.

PreventionGenetics, part of Exact Sciences
Classification: Uncertain significance for APC-related condition. Last evaluated: 2024-02-27. Review status: no assertion criteria provided. Collection method: clinical testing. Allele origin: germline. Not counted in ClinVar's aggregate classification.
Comment: The APC c.3760A>G variant is predicted to result in the amino acid substitution p.Ile1254Val. To our knowledge, this variant has not been reported in the literature. This variant is reported in 0.0050% of alleles in individuals of East Asian descent in gnomAD. At this time, the clinical significance of this variant is uncertain due to the absence of conclusive functional and genetic evidence.

NM_000038.6(APC):c.3760A>G (p.Ile1254Val)

Gene: APC (APC regulator of Wnt signaling pathway; plus strand). Cytogenetic location: 5q22.2.
Variant type: single nucleotide variant.
Coding change: c.3760A>G on transcript NM_000038.6 (MANE Select); coding-DNA position 3760, A replaced by G.
Protein change: p.Ile1254Val; replaces isoleucine 1254 with valine.
Molecular consequence: missense variant.
Genome position (GRCh38, 1-based): chr5:112,839,354, A>G. VCF-style: chr5-112839354-A-G. GRCh37 (hg19) VCF-style: chr5-112175051-A-G.
Other names: c.3760A>G, p.Ile1254Val (NM_001127510.3, NM_001354895.2); c.3706A>G, p.Ile1236Val (NM_001127511.3); c.3814A>G, p.Ile1272Val (NM_001354896.2); c.3790A>G, p.Ile1264Val (NM_001354897.2); c.3685A>G, p.Ile1229Val (NM_001354898.2); c.3676A>G, p.Ile1226Val (NM_001354899.2); c.3637A>G, p.Ile1213Val (NM_001354900.2); c.3583A>G, p.Ile1195Val (NM_001354901.2); and 5 more; short protein forms I1236V, I1254V, I1128V, I1153V, I1213V, I1272V, I1163V, I1226V.
Identifiers: ClinVar variation 418012 (VCV000418012.34), dbSNP rs769504783, ClinGen allele CA036589.